The following is an entry in ClinVar:

ClinVar aggregate classification (germline): Uncertain significance. Review status: criteria provided, multiple submitters, no conflicts (2 of 4 stars). 3 submissions from 3 submitters: Uncertain significance (3). Last evaluated 2023-04-11.

Conditions:
Catecholaminergic polymorphic ventricular tachycardia 2. Also called: VENTRICULAR TACHYCARDIA, STRESS-INDUCED POLYMORPHIC 2; CASQ2-Related Catecholaminergic Polymorphic Ventricular Tachycardia. Identifiers: Orphanet 3286, MedGen C2677794, MONDO:0012762, OMIM 611938.
Catecholaminergic polymorphic ventricular tachycardia 1. Also called: VENTRICULAR TACHYCARDIA, STRESS-INDUCED POLYMORPHIC 1; VENTRICULAR TACHYCARDIA, CATECHOLAMINERGIC POLYMORPHIC, 1, WITH OR WITHOUT ATRIAL DYSFUNCTION AND/OR DILATED CARDIOMYOPATHY; RYR2-Related Catecholaminergic Polymorphic Ventricular Tachycardia. Identifiers: Orphanet 3286, MedGen C1631597, MONDO:0011484, OMIM 604772.
Cardiovascular phenotype. Identifiers: MedGen CN230736.

gnomAD v4.1: 2 of 1,595,644 alleles (0.00013%); highest among the groups gnomAD compares: East Asian, 0.0045%; no homozygotes.

Submissions (3):

Genome-Nilou Lab
Classification: Uncertain significance for Catecholaminergic polymorphic ventricular tachycardia 2. Last evaluated: 2023-04-11. Review status: criteria provided, single submitter. Criteria: ACMG Guidelines, 2015. Collection method: clinical testing. Allele origin: germline. Affected: no.

Ambry Genetics
Classification: Uncertain significance for Cardiovascular phenotype. Last evaluated: 2023-03-22. Review status: criteria provided, single submitter. Criteria: Ambry Variant Classification Scheme 2023. Collection method: clinical testing. Allele origin: germline.

Labcorp Genetics (formerly Invitae), Labcorp
Classification: Uncertain significance for Catecholaminergic polymorphic ventricular tachycardia 1. Last evaluated: 2021-08-12. Review status: criteria provided, single submitter. Criteria: Invitae Variant Classification Sherloc (09022015). Collection method: clinical testing. Allele origin: germline.
Comment: This sequence change replaces aspartic acid with glutamic acid at codon 379 of the CASQ2 protein (p.Asp379Glu). The aspartic acid residue is highly conserved and there is a small physicochemical difference between aspartic acid and glutamic acid. This variant is not present in population databases (ExAC no frequency). This variant has not been reported in the literature in individuals affected with CASQ2-related conditions. Algorithms developed to predict the effect of missense changes on protein structure and function output the following: SIFT: "Deleterious"; PolyPhen-2: "Not Available"; Align-GVGD: "Class C0". The glutamic acid amino acid residue is found in multiple mammalian species, which suggests that this missense change does not adversely affect protein function. In summary, the available evidence is currently insufficient to determine the role of this variant in disease. Therefore, it has been classified as a Variant of Uncertain Significance.

NM_001232.4(CASQ2):c.1137T>G (p.Asp379Glu)

Gene: CASQ2 (calsequestrin 2; minus strand). Cytogenetic location: 1p13.1.
Variant type: single nucleotide variant.
Coding change: c.1137T>G on transcript NM_001232.4 (MANE Select); coding-DNA position 1137, T replaced by G.
Protein change: p.Asp379Glu; replaces aspartic acid 379 with glutamic acid.
Molecular consequence: missense variant.
Genome position (GRCh38, 1-based): chr1:115,701,304, A>C on the plus strand (T>G on the coding strand, the complement: CASQ2 is on the minus strand). VCF-style: chr1-115701304-A-C. GRCh37 (hg19) VCF-style: chr1-116243925-A-C.
Other names: c.1137T>G (NM_001232.3); short protein forms D379E.
Identifiers: ClinVar variation 1017701 (VCV001017701.9), dbSNP rs776130201, ClinGen allele CA341766280.
Genomic context (GRCh38, chr1:115,701,304, plus strand): 5'-TTCATCATCATCGTCATCACTGTCATCATTATCCTCTTCATCAGAATTATCATCATCATC[A>C]TCATCTTCATCATCATCTTCAGTGTTTATCTTTCCAGAAAGCACATCCTCAATCCAGTCC-3'
Protein context (NP_001223.2, residues 369-389): KINTEDDDED[Asp379Glu]DDDDNSDEED